The following is an entry in ClinVar:

ClinVar aggregate classification (germline): Uncertain significance (1 of 4 stars; one submission).

Submission:

Labcorp Genetics (formerly Invitae), Labcorp
Classification: Uncertain significance. Last evaluated: 2025-08-21. Review status: criteria provided, single submitter. Criteria: Invitae Variant Classification Sherloc (09022015). Collection method: clinical testing. Allele origin: germline.
Comment: This sequence change replaces glutamine, which is neutral and polar, with arginine, which is basic and polar, at codon 95 of the ARIH1 protein (p.Gln95Arg). This variant is not present in population databases (gnomAD no frequency). This variant has not been reported in the literature in individuals affected with ARIH1-related conditions. ClinVar contains an entry for this variant (Variation ID: 3717139). An algorithm developed to predict the effect of missense changes on protein structure and function (PolyPhen-2) suggests that this variant is likely to be tolerated. In summary, the available evidence is currently insufficient to determine the role of this variant in disease. Therefore, it has been classified as a Variant of Uncertain Significance.

NM_005744.5(ARIH1):c.284A>G (p.Gln95Arg)

Gene: ARIH1 (ariadne RBR E3 ubiquitin protein ligase 1; plus strand). Cytogenetic location: 15q24.1.
Variant type: single nucleotide variant.
Coding change: c.284A>G on transcript NM_005744.5 (MANE Select); coding-DNA position 284, A replaced by G.
Protein change: p.Gln95Arg; replaces glutamine 95 with arginine.
Molecular consequence: missense variant.
Genome position (GRCh38, 1-based): chr15:72,474,923, A>G. VCF-style: chr15-72474923-A-G. GRCh37 (hg19) VCF-style: chr15-72767264-A-G.
Other names: short protein forms Q95R.
Identifiers: ClinVar variation 3717139 (VCV003717139.2).
Genomic context (GRCh38, chr15:72,474,923, plus strand): 5'-GGCCCGGCGGTGGCGGCGGCGGCGGCGGCGGCGGTGGTGGTGGCGGGCCGGGGCATGAGC[A>G]GGAGGAGGATTACCGCTACGAGGTGCTCACGGCCGAGCAGATTCTACAACACATGGTGGA-3'
Protein context (NP_005735.2, residues 85-105): GGGGGGPGHE[Gln95Arg]EEDYRYEVLT